The following is an entry in ClinVar:

NM_130384.3(ATRIP):c.1846C>G (p.His616Asp)

Genes: ATRIP (ATR interacting protein; plus strand), ATRIP-TREX1 (ATRIP-TREX1 readthrough; plus strand). Cytogenetic location: 3p21.31.
Variant type: single nucleotide variant.
Coding change: c.1846C>G on transcript NM_130384.3 (MANE Select); coding-DNA position 1846, C replaced by G.
Protein change: p.His616Asp; replaces histidine 616 with aspartic acid.
Molecular consequence: missense variant. On other transcripts: non-coding transcript variant (1).
Genome position (GRCh38, 1-based): chr3:48,463,845, C>G. VCF-style: chr3-48463845-C-G. GRCh37 (hg19) VCF-style: chr3-48505244-C-G.
Other names: c.1465C>G, p.His489Asp (NM_001271022.2); c.1567C>G, p.His523Asp (NM_001271023.2); c.1846C>G, p.His616Asp (NM_032166.4); short protein forms H489D, H523D, H616D.
Identifiers: ClinVar variation 4842176 (VCV004842176.1).

ClinVar aggregate classification (germline): Uncertain significance (1 of 4 stars; one submission).

gnomAD v4.1: 5 of 1,614,132 alleles (0.00031%); highest among the groups gnomAD compares: South Asian, 0.0055%; no homozygotes.

Submission:

Ambry Genetics
Classification: Uncertain significance. Last evaluated: 2025-12-29. Review status: criteria provided, single submitter. Criteria: Ambry Variant Classification Scheme 2023. Collection method: clinical testing. Allele origin: germline.
Comment: The p.H616D variant (also known as c.1846C>G), located in coding exon 9 of the ATRIP gene, results from a C to G substitution at nucleotide position 1846. The histidine at codon 616 is replaced by aspartic acid, an amino acid with similar properties. This amino acid position is conserved. In addition, this alteration is predicted to be tolerated by in silico analysis. Based on the available evidence, the clinical significance of this variant remains unclear.